The following is an entry in ClinVar:

ClinVar aggregate classification (germline): Uncertain significance. Review status: criteria provided, multiple submitters, no conflicts (2 of 4 stars). 2 submissions from 2 submitters: Uncertain significance (2). Last evaluated 2025-04-26.

Conditions:
Intellectual developmental disorder, X-linked 108. Also called: MENTAL RETARDATION, X-LINKED 108. Identifiers: MedGen C5193009, MONDO:0026723, OMIM 301024.

Allele frequency attached by ClinVar (database versions not stated): gnomAD exomes below 0.00001.
gnomAD v4.1: 2 of 1,211,618 alleles (0.00017%); highest among the groups gnomAD compares: Non-Finnish European, 0.00022%; no homozygotes.

Submissions (2):

GeneDx
Classification: Uncertain significance. Last evaluated: 2025-04-26. Review status: criteria provided, single submitter. Criteria: GeneDx Variant Classification Process June 2021. Collection method: clinical testing. Allele origin: germline. Affected: yes.
Comment: Not observed at significant frequency in large population cohorts (gnomAD); In silico analysis supports that this missense variant has a deleterious effect on protein structure/function; Has not been previously published as pathogenic or benign to our knowledge

Revvity Omics, Revvity
Classification: Uncertain significance for Intellectual developmental disorder, X-linked 108. Last evaluated: 2022-06-03. Review status: criteria provided, single submitter. Criteria: ACMG Guidelines, 2015. Collection method: clinical testing. Allele origin: germline.

NM_001257291.2(SLC9A7):c.2171A>T (p.Asp724Val)

Gene: SLC9A7 (solute carrier family 9 member A7; minus strand). Cytogenetic location: Xp11.3.
Variant type: single nucleotide variant.
Coding change: c.2171A>T on transcript NM_001257291.2 (MANE Select); coding-DNA position 2171, A replaced by T.
Protein change: p.Asp724Val; replaces aspartic acid 724 with valine.
Molecular consequence: missense variant.
Genome position (GRCh38, 1-based): chrX:46,606,962, T>A on the plus strand (A>T on the coding strand, the complement: SLC9A7 is on the minus strand). VCF-style: chrX-46606962-T-A. GRCh37 (hg19) VCF-style: chrX-46466397-T-A.
Other names: c.2168A>T, p.Asp723Val (NM_032591.3); c.2171A>T (NM_001257291.1); short protein forms D723V, D724V.
Identifiers: ClinVar variation 2436081 (VCV002436081.4), dbSNP rs2519334174, ClinGen allele CA413032260.